The following is an entry in ClinVar:

ClinVar aggregate classification (germline): Uncertain significance (1 of 4 stars; one submission).

Conditions:
Congenital contractural arachnodactyly (CCA). Also called: Arthrogryposis, distal, type 9; BEALS SYNDROME; Beals-Hecht syndrome. Identifiers: Orphanet 115, MedGen C0220668, MONDO:0007363, OMIM 121050.

gnomAD v4.1: 4 of 1,610,780 alleles (0.00025%); highest among the groups gnomAD compares: South Asian, 0.0011%; no homozygotes.

Submission:

Labcorp Genetics (formerly Invitae), Labcorp
Classification: Uncertain significance for Congenital contractural arachnodactyly. Last evaluated: 2026-01-25. Review status: criteria provided, single submitter. Criteria: Invitae Variant Classification Sherloc (09022015). Collection method: clinical testing. Allele origin: germline.
Comment: This sequence change replaces isoleucine, which is neutral and non-polar, with valine, which is neutral and non-polar, at codon 1693 of the FBN2 protein (p.Ile1693Val). This variant is present in population databases (no rsID available, gnomAD 0.003%). This variant has not been reported in the literature in individuals affected with FBN2-related conditions. An algorithm developed to predict the effect of missense changes on protein structure and function (PolyPhen-2) suggests that this variant is likely to be tolerated. In summary, the available evidence is currently insufficient to determine the role of this variant in disease. Therefore, it has been classified as a Variant of Uncertain Significance.

NM_001999.4(FBN2):c.5077A>G (p.Ile1693Val)

Gene: FBN2 (fibrillin 2; minus strand). Cytogenetic location: 5q23.3.
Variant type: single nucleotide variant.
Coding change: c.5077A>G on transcript NM_001999.4 (MANE Select); coding-DNA position 5077, A replaced by G.
Protein change: p.Ile1693Val; replaces isoleucine 1693 with valine.
Molecular consequence: missense variant.
Genome position (GRCh38, 1-based): chr5:128,310,106, T>C on the plus strand (A>G on the coding strand, the complement: FBN2 is on the minus strand). VCF-style: chr5-128310106-T-C. GRCh37 (hg19) VCF-style: chr5-127645798-T-C.
Other names: short protein forms I1693V.
Identifiers: ClinVar variation 4710144 (VCV004710144.1).